The following is an entry in ClinVar:

ClinVar aggregate classification (germline): Likely benign (1 of 4 stars; one submission).

Submission:

CeGaT Center for Human Genetics Tuebingen
Classification: Likely benign. Last evaluated: 2025-05-01. Review status: criteria provided, single submitter. Criteria: CeGaT Center For Human Genetics Tuebingen Variant Classification Criteria Version 2. Collection method: clinical testing. Allele origin: germline. Affected: yes. Observed: 1 variant allele.
Comment: ABRAXAS1: PM2:Supporting, BP4, BP7

NM_139076.3(ABRAXAS1):c.178+1797T>C

Gene: ABRAXAS1 (abraxas 1, BRCA1 A complex subunit; minus strand). Cytogenetic location: 4q21.23.
Variant type: single nucleotide variant.
Coding change: c.178+1797T>C on transcript NM_139076.3 (MANE Select); 1797 bases into the intron after coding-DNA position 178, T replaced by C.
Molecular consequence: intron variant.
Genome position (GRCh38, 1-based): chr4:83,480,357, A>G on the plus strand (T>C on the coding strand, the complement: ABRAXAS1 is on the minus strand). VCF-style: chr4-83480357-A-G. GRCh37 (hg19) VCF-style: chr4-84401510-A-G.
Other names: c.-83+1797T>C (NM_001345962.2).
Identifiers: ClinVar variation 3904847 (VCV003904847.10).
Genomic context (GRCh38, chr4:83,480,357, plus strand): 5'-GAGAGGCAGAGGTTGCAGTGAGCCGAGATCATGCCACTTCACTCCAGTCTGGGCGACAGA[A>G]TGAGACTCCATCTCAAAACAAAAACAAAATGTATATATACACATATATATACACACACAC-3'